The following is an entry in ClinVar:

NM_018714.3(COG1):c.2665dup (p.Arg889fs)

Gene: COG1 (component of oligomeric golgi complex 1; plus strand). Cytogenetic location: 17q25.1.
Variant type: Duplication.
Coding change: c.2665dup on transcript NM_018714.3 (MANE Select); coding-DNA position 2665, one base duplicated (C; older notation c.2665dupC).
Protein change: p.Arg889fs; shifts the reading frame from arginine 889.
Molecular consequence: frameshift variant.
Genome position (GRCh38, 1-based): chr17:73,206,753, C duplicated; the last of 6 consecutive C bases (chr17:73,206,748-73,206,753); duplicating any one gives the same sequence. VCF-style (leftmost placement, unchanged base first): chr17-73206747-G-GC. GRCh37 (hg19) VCF-style: chr17-71202886-G-GC.
Other names: c.2665dupC (NM_018714.2); short protein forms R889fs.
Identifiers: ClinVar variation 803463 (VCV000803463.12), dbSNP rs747606976, ClinGen allele CA8740564.
Genomic context (GRCh38, chr17:73,206,747, plus strand): 5'-GCTCCACCTCTTGTCTGCCAGGTTCTGTTTGGATTGGTGACTGGTACAGAGAATCAGCTC[G>GC]CCCCCCGGAGCAGTACGTTCAACTCCCAAGAACCCCATAACATCCTGCCACTGGCATCCA-3'

ClinVar aggregate classification (germline): Pathogenic/Likely pathogenic. Review status: criteria provided, multiple submitters, no conflicts (2 of 4 stars). 6 submissions from 6 submitters: Pathogenic (3); Likely pathogenic (2). 1 of the submissions does not count toward it. Last evaluated 2025-10-09.

Conditions:
COG1-related disorder. Also called: COG1-related condition.
COG1 congenital disorder of glycosylation (CDG2G). Also called: CONGENITAL DISORDER OF GLYCOSYLATION, TYPE IIg; CDG IIg; CDGII/COG1 CEREBROCOSTOMANDIBULAR-LIKE SYNDROME. Identifiers: Orphanet 263508, MedGen C2931011, MONDO:0012637, OMIM 611209.

Submissions (6):

Labcorp Genetics (formerly Invitae), Labcorp
Classification: Pathogenic for COG1 congenital disorder of glycosylation. Last evaluated: 2025-10-09. Review status: criteria provided, single submitter. Criteria: Invitae Variant Classification Sherloc (09022015). Collection method: clinical testing. Allele origin: germline.
Comment: This sequence change creates a premature translational stop signal (p.Arg889Profs*12) in the COG1 gene. It is expected to result in an absent or disrupted protein product. Loss-of-function variants in COG1 are known to be pathogenic (PMID: 16537452). This variant is present in population databases (rs747606976, gnomAD 0.01%). This premature translational stop signal has been observed in individual(s) with congenital disorder of glycosylation type 2G (CDG2G) (PMID: 16537452, 33960418). This variant is also known as c.2659_2660insC. ClinVar contains an entry for this variant (Variation ID: 803463). For these reasons, this variant has been classified as Pathogenic.

PreventionGenetics, part of Exact Sciences
Classification: Likely pathogenic for COG1-related condition. Last evaluated: 2025-06-10. Review status: criteria provided, single submitter. Criteria: ACMG Guidelines, 2015. Collection method: clinical testing. Allele origin: germline.
Comment: The COG1 c.2665dupC variant is predicted to result in a frameshift and premature protein termination (p.Arg889Profs*12). This variant was reported in the homozygous state in an individual with congenital disorder of glycosylation type IIg (Foulquier et al. 2006. PubMed ID: 16537452). This variant is reported in 0.014% of alleles in individuals of Latino descent in gnomAD. Frameshift variants in COG1 are expected to be pathogenic. This variant is interpreted as likely pathogenic.

GeneDx
Classification: Pathogenic. Last evaluated: 2023-02-13. Review status: criteria provided, single submitter. Criteria: GeneDx Variant Classification Process June 2021. Collection method: clinical testing. Allele origin: germline. Affected: yes.
Comment: Not observed at significant frequency in large population cohorts (gnomAD); Frameshift variant predicted to result in protein truncation or nonsense mediated decay in a gene for which loss of function is a known mechanism of disease; This variant is associated with the following publications: (PMID: 33960418, 16537452)

AiLife Diagnostics
Classification: Likely pathogenic. Last evaluated: 2021-04-13. Review status: criteria provided, single submitter. Criteria: ACMG Guidelines, 2015. Collection method: clinical testing. Allele origin: germline. Affected: yes. Observed: 1 variant allele.

Mendelics
Classification: Pathogenic for COG1 congenital disorder of glycosylation. Last evaluated: 2019-05-28. Review status: criteria provided, single submitter. Criteria: Mendelics Assertion Criteria 2017. Collection method: clinical testing. Allele origin: unknown.

OMIM
Classification: Pathogenic for CONGENITAL DISORDER OF GLYCOSYLATION, TYPE IIg. Last evaluated: 2006-03-07. Review status: no assertion criteria provided. Collection method: literature only. Allele origin: germline. Not counted in ClinVar's aggregate classification.

Literature cited by the submitters: PubMed 16537452 (cited by 3 submitters); PubMed 33960418 (cited by Labcorp Genetics (formerly Invitae), Labcorp).